The following is an entry in ClinVar:

ClinVar aggregate classification (germline): Benign/Likely benign. Review status: criteria provided, multiple submitters, no conflicts (2 of 4 stars). 11 submissions from 11 submitters: Benign (3); Likely benign (5). 3 of the submissions do not count toward it. Last evaluated 2026-01-29.

Conditions:
Hearing loss and Retinal dystrophy.
Donnai-Barrow syndrome. Also called: DBS/FOAR SYNDROME; FACIOOCULOACOUSTICORENAL SYNDROME. Identifiers: Orphanet 2143, MedGen C1857277, MONDO:0009104, OMIM 222448.

Allele frequency attached by ClinVar (database versions not stated): 1000 Genomes Project 0.00120; 1000 Genomes Project 30x 0.00125; TOPMed 0.00168; ESP Exome Variant Server 0.00169; gnomAD exomes 0.00317 and 0.00377; gnomAD 0.00329 and 0.00342; ExAC 0.00342.
gnomAD v4.1: 5,087 of 1,614,036 alleles (0.32%); highest among the groups gnomAD compares: Non-Finnish European, 0.29%; 35 homozygotes.

Submissions (11):

Labcorp Genetics (formerly Invitae), Labcorp
Classification: Benign. Last evaluated: 2026-01-29. Review status: criteria provided, single submitter. Criteria: Invitae Variant Classification Sherloc (09022015). Collection method: clinical testing. Allele origin: germline.

CeGaT Center for Human Genetics Tuebingen
Classification: Benign. Last evaluated: 2025-06-01. Review status: criteria provided, single submitter. Criteria: CeGaT Center For Human Genetics Tuebingen Variant Classification Criteria Version 2. Collection method: clinical testing. Allele origin: germline. Affected: yes. Observed: 6 variant alleles.
Comment: LRP2: BS1, BS2

Fulgent Genetics
Classification: Likely benign for Donnai-Barrow syndrome. Last evaluated: 2021-11-17. Review status: criteria provided, single submitter. Criteria: ACMG Guidelines, 2015. Collection method: clinical testing. Allele origin: unknown.

Genome-Nilou Lab
Classification: Benign for Donnai-Barrow syndrome. Last evaluated: 2021-07-15. Review status: criteria provided, single submitter. Criteria: ACMG Guidelines, 2015. Collection method: clinical testing. Allele origin: germline. Affected: no.

GeneDx
Classification: Likely benign. Last evaluated: 2021-05-06. Review status: criteria provided, single submitter. Criteria: GeneDx Variant Classification Process June 2021. Collection method: clinical testing. Allele origin: germline. Affected: yes.
Comment: See Variant Classification Assertion Criteria.

Illumina Laboratory Services, Illumina
Classification: Likely benign for Donnai-Barrow syndrome. Last evaluated: 2018-01-13. Review status: criteria provided, single submitter. Criteria: ICSL Variant Classification Criteria 13 December 2019. Collection method: clinical testing. Allele origin: germline.
Comment: This variant was observed in the ICSL laboratory as part of a predisposition screen in an ostensibly healthy population. It had not been previously curated by ICSL or reported in the Human Gene Mutation Database (HGMD: prior to June 1st, 2018), and was therefore a candidate for classification through an automated scoring system. Utilizing variant allele frequency, disease prevalence and penetrance estimates, and inheritance mode, an automated score was calculated to assess if this variant is too frequent to cause the disease. Based on the score and internal cut-off values, a variant classified as likely benign is not then subjected to further curation. The score for this variant resulted in a classification of likely benign for this disease.

Center for Pediatric Genomic Medicine, Children's Mercy Hospital and Clinics
Classification: Likely benign. Last evaluated: 2017-04-18. Review status: criteria provided, single submitter. Criteria: ACMG Guidelines, 2015. Collection method: clinical testing. Allele origin: germline.

Breakthrough Genomics
Classification: Likely benign. Review status: criteria provided, single submitter. Criteria: ACMG Guidelines, 2015. Collection method: not provided. Allele origin: germline. Inheritance: Autosomal recessive inheritance. Affected: yes.

National Institute on Deafness and Communication Disorders, National Institutes of Health
Classification: Uncertain significance for Hearing loss and Retinal dystrophy. Last evaluated: 2021-02-22. Review status: no assertion criteria provided. Collection method: research. Allele origin: germline. Affected: yes. Observed: 1 compound heterozygote. Segregation with disease observed. Not counted in ClinVar's aggregate classification.

Clinical Genetics DNA and cytogenetics Diagnostics Lab, Erasmus MC, Erasmus Medical Center
Classification: Likely benign. Review status: no assertion criteria provided. Collection method: clinical testing. Allele origin: germline. Affected: yes. Study: VKGL Data-share Consensus. Not counted in ClinVar's aggregate classification.

Laboratory of Diagnostic Genome Analysis, Leiden University Medical Center (LUMC)
Classification: Likely benign. Review status: no assertion criteria provided. Collection method: clinical testing. Allele origin: germline. Affected: yes. Study: VKGL Data-share Consensus. Not counted in ClinVar's aggregate classification.

NM_004525.3(LRP2):c.149C>G (p.Thr50Ser)

Gene: LRP2 (LDL receptor related protein 2; minus strand). Cytogenetic location: 2q31.1.
Variant type: single nucleotide variant.
Coding change: c.149C>G on transcript NM_004525.3 (MANE Select); coding-DNA position 149, C replaced by G.
Protein change: p.Thr50Ser; replaces threonine 50 with serine.
Molecular consequence: missense variant.
Genome position (GRCh38, 1-based): chr2:169,320,815, G>C on the plus strand (C>G on the coding strand, the complement: LRP2 is on the minus strand). VCF-style: chr2-169320815-G-C. GRCh37 (hg19) VCF-style: chr2-170177325-G-C.
Other names: short protein forms T50S.
Identifiers: ClinVar variation 332208 (VCV000332208.48), dbSNP rs114460450, ClinGen allele CA1955983.
Genomic context (GRCh38, chr2:169,320,815, plus strand): 5'-AGCCTGGCCCCTCCTCACTTACCGCAGCCAATTTCATCCGCGTCATCTGAACAGTCTTTG[G>C]TCCCATCACACCTCCAGTCTGCAGGGATGCAATGCCCACTTCCACAGCGAAAATGCGCAC-3'
Protein context (NP_004516.2, residues 40-60): CIPADWRCDG[Thr50Ser]KDCSDDADEI